The following is an entry in ClinVar:

NM_003721.4(RFXANK):c.155C>T (p.Pro52Leu)

Gene: RFXANK (regulatory factor X associated ankyrin containing protein; plus strand). Cytogenetic location: 19p13.11.
Variant type: single nucleotide variant.
Coding change: c.155C>T on transcript NM_003721.4 (MANE Select); coding-DNA position 155, C replaced by T.
Protein change: p.Pro52Leu; replaces proline 52 with leucine.
Molecular consequence: missense variant.
Genome position (GRCh38, 1-based): chr19:19,194,101, C>T. VCF-style: chr19-19194101-C-T. GRCh37 (hg19) VCF-style: chr19-19304910-C-T.
Other names: c.155C>T, p.Pro52Leu (NM_001278727.2, NM_001278728.2, NM_001370233.1 and 6 more transcripts); short protein forms P52L.
Identifiers: ClinVar variation 857686 (VCV000857686.10), dbSNP rs1364864540, ClinGen allele CA404890102.

ClinVar aggregate classification (germline): Uncertain significance (1 of 4 stars; one submission).

Conditions:
MHC class II deficiency. Also called: Bare lymphocyte syndrome 2; BLS, TYPE II. Identifiers: Orphanet 572, MedGen C5447452, MONDO:0008855.

Allele frequency attached by ClinVar (database versions not stated): gnomAD exomes below 0.00001.

Submission:

Labcorp Genetics (formerly Invitae), Labcorp
Classification: Uncertain significance for MHC class II deficiency. Last evaluated: 2025-12-19. Review status: criteria provided, single submitter. Criteria: Invitae Variant Classification Sherloc (09022015). Collection method: clinical testing. Allele origin: germline.
Comment: This sequence change replaces proline, which is neutral and non-polar, with leucine, which is neutral and non-polar, at codon 52 of the RFXANK protein (p.Pro52Leu). This variant is present in population databases (no rsID available, gnomAD 0.006%). This variant has not been reported in the literature in individuals affected with RFXANK-related conditions. ClinVar contains an entry for this variant (Variation ID: 857686). Invitae Evidence Modeling of protein sequence and biophysical properties (such as structural, functional, and spatial information, amino acid conservation, physicochemical variation, residue mobility, and thermodynamic stability) indicates that this missense variant is not expected to disrupt RFXANK protein function with a negative predictive value of 80%. In summary, the available evidence is currently insufficient to determine the role of this variant in disease. Therefore, it has been classified as a Variant of Uncertain Significance.